The following is an entry in ClinVar:

ClinVar aggregate classification (germline): Likely pathogenic (1 of 4 stars; one submission).

Conditions:
Dilated cardiomyopathy 1G (CMD1G). Identifiers: Orphanet 154, MedGen C1858763, MONDO:0011400, OMIM 604145.
Autosomal recessive limb-girdle muscular dystrophy type 2J (LGMDR10). Also called: Limb-girdle muscular dystrophy, type 2J; MUSCULAR DYSTROPHY, LIMB-GIRDLE, AUTOSOMAL RECESSIVE 10. Identifiers: Orphanet 140922, MedGen C1837342, MONDO:0012127, OMIM 608807.

Submission:

Labcorp Genetics (formerly Invitae), Labcorp
Classification: Likely pathogenic for Dilated cardiomyopathy 1G; Autosomal recessive limb-girdle muscular dystrophy type 2J. Last evaluated: 2024-11-24. Review status: criteria provided, single submitter. Criteria: Invitae Variant Classification Sherloc (09022015). Collection method: clinical testing. Allele origin: germline.
Comment: This sequence change creates a premature translational stop signal (p.Glu11993Leufs*5) in the TTN gene. While this is not anticipated to result in nonsense mediated decay, it is expected to create a truncated TTN protein. This variant is not present in population databases (gnomAD no frequency). This variant has not been reported in the literature in individuals affected with TTN-related conditions. Algorithms developed to predict the effect of sequence changes on RNA splicing suggest that this variant may disrupt the consensus splice site. This variant is located in the I band of TTN (PMID: 25589632). Truncating variants in this region have been reported in individuals affected with autosomal recessive centronuclear myopathy (PMID: 23975875, internal data). Truncating variants in this region have also been identified in individuals affected with autosomal dominant dilated cardiomyopathy and/or cardio-related conditions (PMID: 27869827, 32964742, internal data). In summary, the currently available evidence indicates that the variant is pathogenic, but additional data are needed to prove that conclusively. Therefore, this variant has been classified as Likely Pathogenic.

Literature cited by the submitters: PubMed 25589632; PubMed 23975875; PubMed 27869827; PubMed 32964742.

NM_001267550.2(TTN):c.35976_35979del (p.Glu11993fs)

Gene: TTN (titin; minus strand). Cytogenetic location: 2q31.2.
Variant type: Deletion.
Coding change: c.35976_35979del on transcript NM_001267550.2 (MANE Select); coding-DNA positions 35976 to 35979, 4 bases deleted (AGAA; older notation c.35976_35979delAGAA).
Protein change: p.Glu11993fs; shifts the reading frame from glutamic acid 11993.
Molecular consequence: frameshift variant. On other transcripts: intron variant (5).
Genome position (GRCh38, 1-based): chr2:178,665,441-178,665,444, TTCT deleted on the plus strand (AGAA on the coding strand, the reverse complement: TTN is on the minus strand); deleting any 4 consecutive bases within chr2:178,665,441-178,665,447 gives the same sequence; the c. name uses the placement nearest the transcript's 3' end. VCF-style (leftmost placement, unchanged base first): chr2-178665440-CTTCT-C. GRCh37 (hg19) VCF-style: chr2-179530167-CTTCT-C.
Other names: c.13283-23127_13283-23124del (NM_003319.4); c.13859-23127_13859-23124del (NM_133437.4); c.13658-23127_13658-23124del (NM_133432.3); c.31484-2389_31484-2386del (NM_133378.4); c.34265-2389_34265-2386del (NM_001256850.1); short protein forms E11993fs.
Identifiers: ClinVar variation 3759797 (VCV003759797.2).